The following is an entry in ClinVar:

ClinVar aggregate classification (germline): Uncertain significance (1 of 4 stars; one submission).

Submission:

Labcorp Genetics (formerly Invitae), Labcorp
Classification: Uncertain significance. Last evaluated: 2024-07-29. Review status: criteria provided, single submitter. Criteria: Invitae Variant Classification Sherloc (09022015). Collection method: clinical testing. Allele origin: germline.
Comment: This sequence change replaces cysteine, which is neutral and slightly polar, with serine, which is neutral and polar, at codon 328 of the BACH2 protein (p.Cys328Ser). This variant is not present in population databases (gnomAD no frequency). This variant has not been reported in the literature in individuals affected with BACH2-related conditions. Advanced modeling of protein sequence and biophysical properties (such as structural, functional, and spatial information, amino acid conservation, physicochemical variation, residue mobility, and thermodynamic stability) performed at Invitae indicates that this missense variant is not expected to disrupt BACH2 protein function with a negative predictive value of 80%. In summary, the available evidence is currently insufficient to determine the role of this variant in disease. Therefore, it has been classified as a Variant of Uncertain Significance.

NM_021813.4(BACH2):c.983G>C (p.Cys328Ser)

Gene: BACH2 (BACH transcriptional regulator 2; minus strand). Cytogenetic location: 6q15.
Variant type: single nucleotide variant.
Coding change: c.983G>C on transcript NM_021813.4 (MANE Select); coding-DNA position 983, G replaced by C.
Protein change: p.Cys328Ser; replaces cysteine 328 with serine.
Molecular consequence: missense variant.
Genome position (GRCh38, 1-based): chr6:89,951,123, C>G on the plus strand (G>C on the coding strand, the complement: BACH2 is on the minus strand). VCF-style: chr6-89951123-C-G. GRCh37 (hg19) VCF-style: chr6-90660842-C-G.
Other names: c.983G>C, p.Cys328Ser (NM_001170794.2); short protein forms C328S.
Identifiers: ClinVar variation 3611180 (VCV003611180.2).